The following is an entry in ClinVar:

NM_182961.4(SYNE1):c.26344C>G (p.Arg8782Gly)

Genes: ESR1 (estrogen receptor 1; plus strand), SYNE1 (spectrin repeat containing nuclear envelope protein 1; minus strand). Cytogenetic location: 6q25.2.
Variant type: single nucleotide variant.
Coding change: c.26344C>G on transcript NM_182961.4 (MANE Select); coding-DNA position 26344, C replaced by G.
Protein change: p.Arg8782Gly; replaces arginine 8782 with glycine.
Molecular consequence: missense variant. On other transcripts: 3 prime UTR variant (1), intron variant (1).
Genome position (GRCh38, 1-based): chr6:152,122,486, G>C on the plus strand (C>G on the coding strand, the complement: SYNE1 is on the minus strand). VCF-style: chr6-152122486-G-C. GRCh37 (hg19) VCF-style: chr6-152443621-G-C.
Other names: p.Arg8734Gly; c.*155C>G (NM_001347701.2); c.2878C>G, p.Arg960Gly (NM_001347702.2); c.26200C>G, p.Arg8734Gly (NM_033071.5); c.851-2780G>C (NM_001328100.2); short protein forms R8734G, R8782G, R960G.
Identifiers: ClinVar variation 2436645 (VCV002436645.5), dbSNP rs894581389, ClinGen allele CA150189479.

ClinVar aggregate classification (germline): Uncertain significance. Review status: criteria provided, multiple submitters, no conflicts (2 of 4 stars). 3 submissions from 3 submitters: Uncertain significance (3). Last evaluated 2025-08-22.

Allele frequency attached by ClinVar (database versions not stated): gnomAD 0.00002.
gnomAD v4.1: 46 of 1,614,058 alleles (0.0028%); highest among the groups gnomAD compares: Non-Finnish European, 0.0038%; no homozygotes.

Submissions (3):

Athena Diagnostics
Classification: Uncertain significance. Last evaluated: 2025-08-22. Review status: criteria provided, single submitter. Criteria: Athena Diagnostics Criteria. Collection method: clinical testing. Allele origin: unknown.
Comment: Available data are insufficient to determine the clinical significance of the variant at this time. The frequency of this variant in the general population is uninformative in assessment of its pathogenicity. Polyphen and MutationTaster predict this amino acid change may be damaging to the protein.

Mayo Clinic Laboratories, Mayo Clinic
Classification: Uncertain significance. Last evaluated: 2023-10-04. Review status: criteria provided, single submitter. Criteria: ACMG Guidelines, 2015. Collection method: clinical testing. Allele origin: germline. Observed: 1 variant allele.

Revvity Omics, Revvity
Classification: Uncertain significance. Last evaluated: 2020-04-03. Review status: criteria provided, single submitter. Criteria: ACMG Guidelines, 2015. Collection method: clinical testing. Allele origin: germline.